The following is an entry in ClinVar:

ClinVar aggregate classification (germline): Pathogenic (1 of 4 stars; one submission).

Submission:

Labcorp Genetics (formerly Invitae), Labcorp
Classification: Pathogenic. Last evaluated: 2021-09-10. Review status: criteria provided, single submitter. Criteria: Invitae Variant Classification Sherloc (09022015). Collection method: clinical testing. Allele origin: germline.
Comment: For these reasons, this variant has been classified as Pathogenic. This sequence change affects an acceptor splice site in intron 17 of the ABCA3 gene. It is expected to disrupt RNA splicing. Variants that disrupt the donor or acceptor splice site typically lead to a loss of protein function (PMID: 16199547), and loss-of-function variants in ABCA3 are known to be pathogenic (PMID: 27516224). This variant is not present in population databases (ExAC no frequency). Disruption of this splice site has been observed in individual(s) with autosomal recessive surfactant metabolism dysfunction (Invitae). In at least one individual the data is consistent with the variant being in trans (on the opposite chromosome) from a pathogenic variant. Algorithms developed to predict the effect of sequence changes on RNA splicing suggest that this variant may disrupt the consensus splice site.

Literature cited by the submitters: PubMed 16199547; PubMed 27516224.

NM_001089.3(ABCA3):c.2264-2A>G

Gene: ABCA3 (ATP binding cassette subfamily A member 3; minus strand). Cytogenetic location: 16p13.3.
Variant type: single nucleotide variant.
Coding change: c.2264-2A>G on transcript NM_001089.3 (MANE Select); the canonical splice acceptor site of the intron before coding-DNA position 2264, A replaced by G.
Molecular consequence: splice acceptor variant.
Genome position (GRCh38, 1-based): chr16:2,295,742, T>C on the plus strand (A>G on the coding strand, the complement: ABCA3 is on the minus strand). VCF-style: chr16-2295742-T-C. GRCh37 (hg19) VCF-style: chr16-2345743-T-C.
Identifiers: ClinVar variation 1453370 (VCV001453370.6), dbSNP rs2141705504, ClinGen allele CA394329344.